The following is an entry in ClinVar:

ClinVar aggregate classification (germline): Uncertain significance. Review status: criteria provided, multiple submitters, no conflicts (2 of 4 stars). 2 submissions from 2 submitters: Uncertain significance (2). Last evaluated 2025-11-04.

Conditions:
Inborn genetic diseases. Identifiers: MedGen C0950123, MeSH D030342.

Submissions (2):

Labcorp Genetics (formerly Invitae), Labcorp
Classification: Uncertain significance. Last evaluated: 2025-11-04. Review status: criteria provided, single submitter. Criteria: Invitae Variant Classification Sherloc (09022015). Collection method: clinical testing. Allele origin: germline.
Comment: This sequence change replaces threonine, which is neutral and polar, with alanine, which is neutral and non-polar, at codon 495 of the DLL1 protein (p.Thr495Ala). This variant is not present in population databases (gnomAD no frequency). This variant has not been reported in the literature in individuals affected with DLL1-related conditions. ClinVar contains an entry for this variant (Variation ID: 4012130). An algorithm developed to predict the effect of missense changes on protein structure and function (PolyPhen-2) suggests that this variant is likely to be disruptive. In summary, the available evidence is currently insufficient to determine the role of this variant in disease. Therefore, it has been classified as a Variant of Uncertain Significance.

Ambry Genetics
Classification: Uncertain significance for Inborn genetic diseases. Last evaluated: 2025-04-10. Review status: criteria provided, single submitter. Criteria: Ambry Variant Classification Scheme 2023. Collection method: clinical testing. Allele origin: germline.

NM_005618.4(DLL1):c.1483A>G (p.Thr495Ala)

Gene: DLL1 (delta like canonical Notch ligand 1; minus strand). Cytogenetic location: 6q27.
Variant type: single nucleotide variant.
Coding change: c.1483A>G on transcript NM_005618.4 (MANE Select); coding-DNA position 1483, A replaced by G.
Protein change: p.Thr495Ala; replaces threonine 495 with alanine.
Molecular consequence: missense variant.
Genome position (GRCh38, 1-based): chr6:170,283,796, T>C on the plus strand (A>G on the coding strand, the complement: DLL1 is on the minus strand). VCF-style: chr6-170283796-T-C. GRCh37 (hg19) VCF-style: chr6-170592884-T-C.
Other names: short protein forms T495A.
Identifiers: ClinVar variation 4012130 (VCV004012130.2).
Genomic context (GRCh38, chr6:170,283,796, plus strand): 5'-TGGGACCCCCGTAGCCTCGGGCACACTCGCACACATAGCGGTGGCCCCTCTCGTGGCAGG[T>C]GGCCCCATTGTGGCAGGGTGCGTGCTCGCACCTGCTGACGGGGGCACTGCAGTTCCTGCC-3'
Protein context (NP_005609.3, residues 485-505): CEHAPCHNGA[Thr495Ala]CHERGHRYVC